The following is an entry in ClinVar:

NM_004859.4(CLTC):c.3096A>C (p.Ala1032=)

Gene: CLTC (clathrin heavy chain; plus strand). Cytogenetic location: 17q23.1.
Variant type: single nucleotide variant.
Coding change: c.3096A>C on transcript NM_004859.4 (MANE Select); coding-DNA position 3096, A replaced by C.
Protein change: p.Ala1032=; no amino-acid change (alanine 1032 retained).
Molecular consequence: synonymous variant.
Genome position (GRCh38, 1-based): chr17:59,681,325, A>C. VCF-style: chr17-59681325-A-C. GRCh37 (hg19) VCF-style: chr17-57758686-A-C.
Other names: c.3108A>C, p.Ala1036= (NM_001288653.2); c.3108A>C (NM_001288653.1).
Identifiers: ClinVar variation 1590627 (VCV001590627.10), dbSNP rs150533662, ClinGen allele CA8681535.

ClinVar aggregate classification (germline): Likely benign. Review status: criteria provided, single submitter (1 of 4 stars). 2 submissions from 2 submitters: Likely benign (1). 1 of the submissions does not count toward it. Last evaluated 2025-10-07.

Conditions:
CLTC-related disorder. Also called: CLTC-related condition.

Allele frequency attached by ClinVar (database versions not stated): ExAC 0.00004; gnomAD 0.00004; gnomAD exomes 0.00005; TOPMed 0.00006; ESP Exome Variant Server 0.00023.
gnomAD v4.1: 100 of 1,613,836 alleles (0.0062%); highest among the groups gnomAD compares: Non-Finnish European, 0.0081%; no homozygotes.

Submissions (2):

Labcorp Genetics (formerly Invitae), Labcorp
Classification: Likely benign. Last evaluated: 2025-10-07. Review status: criteria provided, single submitter. Criteria: Invitae Variant Classification Sherloc (09022015). Collection method: clinical testing. Allele origin: germline.

PreventionGenetics, part of Exact Sciences
Classification: Likely benign for CLTC-related condition. Last evaluated: 2019-08-13. Review status: no assertion criteria provided. Collection method: clinical testing. Allele origin: germline. Not counted in ClinVar's aggregate classification.
Comment: This variant is classified as likely benign based on ACMG/AMP sequence variant interpretation guidelines (Richards et al. 2015 PMID: 25741868, with internal and published modifications).